The following is an entry in ClinVar:

ClinVar aggregate classification (germline): Likely pathogenic (1 of 4 stars; one submission).

Conditions:
Juvenile polyposis/hereditary hemorrhagic telangiectasia syndrome (JPHT). Also called: JP/HHT SYNDROME; JUVENILE POLYPOSIS WITH HEREDITARY HEMORRHAGIC TELANGIECTASIA; POLYPOSIS, GENERALIZED JUVENILE, WITH PULMONARY ARTERIOVENOUS MALFORMATION; TELANGIECTASIA, HEREDITARY HEMORRHAGIC, WITH JUVENILE POLYPOSIS COLI; Juvenile Polyposis Syndrome / Hereditary Hemorrhagic Telangiectasia (JPS/HHT). Identifiers: Orphanet 2929, MedGen C1832942, MONDO:0008278, OMIM 175050.

Submission:

Variantyx, Inc.
Classification: Likely pathogenic for Juvenile polyposis/hereditary hemorrhagic telangiectasia syndrome. Last evaluated: 2025-09-16. Review status: criteria provided, single submitter. Criteria: Variantyx Assertion Criteria 2022. Collection method: clinical testing. Allele origin: germline. Inheritance: Autosomal dominant inheritance. Affected: yes.
Comment: This is a frameshift variant in the SMAD4 gene (OMIM: 600993). Pathogenic variants in this gene have been associated with autosomal dominant juvenile polyposis/hereditary hemorrhagic telangiectasia syndrome. This variant introduces a premature termination codon in exon 2 out of 12and is expected to result in loss of function, which is a known disease mechanism for SMAD4 in this disorder (PMID:16613914;15031030) (PVS1). This variant is absent from control populations (PM2). This variant has not been reported in individuals with SMAD4-related disorders in the databases available for review. Based on the current evidence, this variant is classified as likely pathogenic for autosomal dominant juvenile polyposis/hereditary hemorrhagic telangiectasia syndrome.

Literature cited by the submitters: PubMed 16613914; PubMed 15031030.

NM_005359.6(SMAD4):c.79_86dup (p.Gly30fs)

Gene: SMAD4 (SMAD family member 4; plus strand). Cytogenetic location: 18q21.2.
Variant type: Duplication.
Coding change: c.79_86dup on transcript NM_005359.6 (MANE Select); coding-DNA positions 79 to 86, 8 bases duplicated (AGACAAGG; older notation c.79_86dupAGACAAGG).
Protein change: p.Gly30fs; shifts the reading frame from glycine 30.
Molecular consequence: frameshift variant. On other transcripts: non-coding transcript variant (2).
Genome position (GRCh38, 1-based): chr18:51,047,125-51,047,132, AGACAAGG duplicated. VCF-style (leftmost placement, unchanged base first): chr18-51047124-T-TAGACAAGG. GRCh37 (hg19) VCF-style: chr18-48573494-T-TAGACAAGG.
Other names: c.79_86dup, p.Gly30fs (NM_001407041.1, NM_001407042.1, NM_001407043.1); short protein forms G30fs.
Identifiers: ClinVar variation 4850756 (VCV004850756.1).